The following is an entry in ClinVar:

NM_024675.4(PALB2):c.1653T>A (p.Tyr551Ter)

Gene: PALB2 (partner and localizer of BRCA2; minus strand). Cytogenetic location: 16p12.2.
Variant type: single nucleotide variant.
Coding change: c.1653T>A on transcript NM_024675.4 (MANE Select); coding-DNA position 1653, T replaced by A.
Protein change: p.Tyr551Ter; replaces tyrosine 551 with a stop codon.
Molecular consequence: nonsense.
Genome position (GRCh38, 1-based): chr16:23,634,893, A>T on the plus strand (T>A on the coding strand, the complement: PALB2 is on the minus strand). VCF-style: chr16-23634893-A-T. GRCh37 (hg19) VCF-style: chr16-23646214-A-T.
Other names: short protein forms Y551*.
Identifiers: ClinVar variation 1243 (VCV000001243.76), dbSNP rs118203997, ClinGen allele CA251717.

ClinVar aggregate classification (germline): Pathogenic/Likely pathogenic. Review status: criteria provided, multiple submitters, no conflicts (2 of 4 stars). 17 submissions from 16 submitters: Pathogenic (13); Likely pathogenic (1). 3 of the submissions do not count toward it. Last evaluated 2025-09-24.

Conditions:
Breast-ovarian cancer, familial, susceptibility to, 5 (BROVCA5). Identifiers: MedGen C5830615, MONDO:0957530, OMIM 620442.
PALB2-related cancer predisposition. Identifiers: MedGen CN377761, MONDO:0700272.
Hereditary cancer-predisposing syndrome. Also called: Neoplastic Syndromes, Hereditary; Tumor predisposition; Hereditary Cancer Syndrome; Hereditary neoplastic syndrome. Identifiers: Orphanet 140162, MedGen C0027672, MeSH D009386, MONDO:0015356.
Familial cancer of breast. Also called: Hereditary breast cancer; hereditary breast carcinoma; BREAST CANCER, FAMILIAL. Identifiers: Orphanet 227535, MedGen C0346153, MONDO:0016419, OMIM 114480. Disease mechanism: loss of function.
Fanconi anemia complementation group N. Also called: PALB2-Related Fanconi Anemia. Identifiers: Orphanet 84, MedGen C1835817, MONDO:0012565, OMIM 610832. Disease mechanism: loss of function.

Allele frequency attached by ClinVar (database versions not stated): gnomAD 0.00001; TOPMed 0.00001.
gnomAD v4.1: 2 of 1,613,896 alleles (0.00012%); highest among the groups gnomAD compares: Non-Finnish European, 0.00017%; no homozygotes.

Submissions 1 to 10 of 17:

Department of Human Genetics, Hannover Medical School
Classification: Pathogenic for Breast-ovarian cancer, familial, susceptibility to, 5. Last evaluated: 2025-09-24. Review status: criteria provided, single submitter. Criteria: ACMG Guidelines, 2015. Collection method: clinical testing. Allele origin: germline. Affected: yes.
Comment: PVS1, PM3, PM2_Supporting, PM5_Supporting

Dasa
Classification: Pathogenic for Breast-ovarian cancer, familial, susceptibility to, 5. Last evaluated: 2025-08-21. Review status: criteria provided, single submitter. Criteria: DASA Assertion Criteria. Collection method: clinical testing. Allele origin: germline. Observed: 1 variant allele.
Comment: NM_024675.4(PALB2):c.1653T>A (p.Tyr551*) introduces a premature termination codon. Loss-of-function is an established mechanism of disease for this gene. This variant has been reported in individuals with hereditary breast cancer and Fanconi anemia (PMID: 17200672) and is present at low frequency in population datasets. Based on the available data, this variant is classified as Pathogenic.

Hema, HEMA – Genetic and Molecular Diagnostic Laboratory
Classification: Pathogenic for PALB2-related cancer predisposition. Last evaluated: 2025-06-09. Review status: criteria provided, single submitter. Criteria: HEMA Variant Classification Assertion Criteria. Collection method: clinical testing. Allele origin: germline.
Comment: The c.1653T>A variant is a transversion from adenine to thymine that results in a premature stop codon at position 551 of PALB2. PVS1: Null variant in a gene for which loss of function is a known disease mechanism. The c.1653T>A variant in the PALB2 gene is a nonsense variant that introduces a premature stop codon in exon 4/13 of the transcript, which is predicted to result in its degradation by nonsense-mediated decay (NMD). PM2_Supporting: Present at very low population frequency in gnomAD v4.1.0. PM3: The variant has been reported in the heterozygous state in an individual with Fanconi anemia (PMID: 17200672). PM5_Supporting: Variant introduces a premature stop codon before position p.Tyr1183 of PALB2 (location of the most C-terminal known pathogenic variant).

Molecular Diagnostics Laboratory, Catalan Institute of Oncology
Classification: Pathogenic for Hereditary cancer-predisposing syndrome. Last evaluated: 2025-02-05. Review status: criteria provided, single submitter. Criteria: ClinGen ACMG Specifications PALB2 V1.0.0. Collection method: clinical testing. Allele origin: germline.
Comment: PVS1, PM2_Supporting, PM5_Supporting c.1653T>A, located in exon 4 of the PALB2 gene, is expected to result in loss of function by premature protein truncation and nonsense-mediated mRNA decay, p.(Tyr551*)(PVS1, PM5_Supporting). It is not present in the population database gnomAD v2.1.1, non cancer dataset (PM2_supporting). The SpliceAI algorithm predicts no significant impact on splicing. To our knowledge, functional studies have not been performed for this variant The variant has been reported in the ClinVar (11x pathogenic, 1x likely pathogenic) and the LOVD (9x pathogenic, 3x not classified) databases. Based on currently available information, the variant c.1027C>T is classified as pathogenic variant according to ACMG guidelines.

Labcorp Genetics (formerly Invitae), Labcorp
Classification: Pathogenic for Familial cancer of breast. Last evaluated: 2024-11-13. Review status: criteria provided, single submitter. Criteria: Invitae Variant Classification Sherloc (09022015). Collection method: clinical testing. Allele origin: germline.
Comment: This sequence change creates a premature translational stop signal (p.Tyr551*) in the PALB2 gene. It is expected to result in an absent or disrupted protein product. Loss-of-function variants in PALB2 are known to be pathogenic (PMID: 17200668, 17200671, 17200672, 24136930, 25099575). This variant is not present in population databases (gnomAD no frequency). This premature translational stop signal has been observed in individual(s) with breast and/or ovarian cancer and/or Fanconi anemia (PMID: 17200672, 21285249, 23935836). ClinVar contains an entry for this variant (Variation ID: 1243). For these reasons, this variant has been classified as Pathogenic.

Ambry Genetics
Classification: Pathogenic for Hereditary cancer-predisposing syndrome. Last evaluated: 2024-09-11. Review status: criteria provided, single submitter. Criteria: Ambry Variant Classification Scheme 2023. Collection method: clinical testing. Allele origin: germline.
Comment: The p.Y551* pathogenic mutation (also known as c.1653T>A), located in coding exon 4 of the PALB2 gene, results from a T to A substitution at nucleotide position 1653. This changes the amino acid from a tyrosine to a stop codon within coding exon 4. In one study, this mutation was found to be functionally abnormal in both a homology-directed DNA repair (HDR) assay and a PARP inhibitor sensitivity assay (Boonen RACM et al. Nat Commun, 2019 11;10:5296). This alteration was also found to be functionally abnormal in another HDR assay (Wiltshire T et al. Genet Med, 2020 03;22:622-632). This mutation has previously been reported in multiple individuals with personal history of breast cancer and family history of breast and/or pancreatic cancer (Casadei S et al. Cancer Res. 2011 Mar; 71(6):2222-9; Blanco A et al. PLoS ONE 2013; 8(7):e67538; Cerretini R et al. Breast Cancer Res Treat, 2019 Dec;178:629-636) and in trans with a partial PALB2 gene deletion in an individual with Fanconi anemia (Xia B et al Nat. Genet. 2007 Feb;39(2):159-61). This variant is considered to be rare based on population cohorts in the Genome Aggregation Database (gnomAD). In addition to the clinical data presented in the literature, this alteration is expected to result in loss of function by premature protein truncation or nonsense-mediated mRNA decay. As such, this alteration is interpreted as a disease-causing mutation.

Color Diagnostics, LLC DBA Color Health
Classification: Pathogenic for Hereditary cancer-predisposing syndrome. Last evaluated: 2024-03-11. Review status: criteria provided, single submitter. Criteria: ACMG Guidelines, 2015. Collection method: clinical testing. Allele origin: germline.
Comment: This variant changes 1 nucleotide in exon 4 of the PALB2 gene, creating a premature translation stop signal. This variant is expected to result in an absent or non-functional protein product. A function study has reported that this truncated variant protein disrupted PALB2 function in a homology-directed DNA repair assay (PMID: PMID: 31757951). This variant has been observed in six individuals affected with breast cancer (PMID: 21285249, 23935836, 31446535), one of whom was affected with early-onset, triple-negative breast cancer with family history of breast and pancreatic cancer (PMID: 23935836) and three others had family history of breast cancer (PMID: 31446535). This variant has been observed in compound heterozygous state with the deletion of PALB2 exons 1-10 in an individual affected with Fanconi anemia (PMID: 17200672, 17924555). Fibroblasts from this individual lacked the full-length PALB2 protein and exhibited hypersensitivity and loss of DNA damage responses after mitomycin C treatment (PMID: 17200672). This variant has not been identified in the general population by the Genome Aggregation Database (gnomAD). Loss of PALB2 function is a known mechanism of disease. Based on the available evidence, this variant is classified as Pathogenic.

Baylor Genetics
Classification: Pathogenic for Familial cancer of breast. Last evaluated: 2023-09-11. Review status: criteria provided, single submitter. Criteria: ACMG Guidelines, 2015. Collection method: clinical testing. Allele origin: unknown.

Myriad Genetics, Inc.
Classification: Pathogenic for Familial cancer of breast. Last evaluated: 2023-09-11. Review status: criteria provided, single submitter. Criteria: Myriad Autosomal Dominant, Autosomal Recessive and X-Linked Classification Criteria (2023). Collection method: clinical testing. Allele origin: unknown.
Comment: This variant is considered pathogenic. This variant creates a termination codon and is predicted to result in premature protein truncation.

Cancer Variant Interpretation Group UK, Institute of Cancer Research, London
Classification: Pathogenic for Hereditary cancer-predisposing syndrome. Last evaluated: 2023-05-12. Review status: criteria provided, single submitter. Criteria: ACMG Guidelines, 2015. Collection method: clinical testing. Allele origin: germline. Affected: yes.
Comment: Data included in classification: PVS1_vstr: Truncating variant predicted to undergo NMD PM5_sup: Truncating variant with premature stop codon upstream of p.Tyr1183 PM2_sup: Absent from gnomAD PM3_mod: Xia et al 2007, confirmed in trans in patient with Fanconi Anaemia (2/3 clinical features) Data not included in classification: 2 breast cancer cases and 0 controls (Casadei et al., 2011; PMID: 21285249) 2 bilateral breast cancer patients in Argentina (Cerretini et al., 2019; PMID 31446535) 1 family in Spain, only proband confirmed to carry the variant (Blanco et al., 2014; PMID: 23935836) Evidence of loss of function from Boonen et al, 2019 HDR assay and PARP sensitivity assays